The following is an entry in ClinVar:

ClinVar aggregate classification (germline): Uncertain significance. Review status: criteria provided, multiple submitters, no conflicts (2 of 4 stars). 2 submissions from 2 submitters: Uncertain significance (2). Last evaluated 2024-10-20.

Conditions:
Inborn genetic diseases. Identifiers: MedGen C0950123, MeSH D030342.

Allele frequency attached by ClinVar (database versions not stated): TOPMed 0.00002.

Submissions (2):

Ambry Genetics
Classification: Uncertain significance for Inborn genetic diseases. Last evaluated: 2024-10-20. Review status: criteria provided, single submitter. Criteria: Ambry Variant Classification Scheme 2023. Collection method: clinical testing. Allele origin: germline.

Labcorp Genetics (formerly Invitae), Labcorp
Classification: Uncertain significance. Last evaluated: 2023-07-17. Review status: criteria provided, single submitter. Criteria: Invitae Variant Classification Sherloc (09022015). Collection method: clinical testing. Allele origin: germline.
Comment: In summary, the available evidence is currently insufficient to determine the role of this variant in disease. Therefore, it has been classified as a Variant of Uncertain Significance. An algorithm developed to predict the effect of missense changes on protein structure and function (PolyPhen-2) suggests that this variant is likely to be disruptive. ClinVar contains an entry for this variant (Variation ID: 1925072). This variant has not been reported in the literature in individuals affected with AIMP2-related conditions. This variant is not present in population databases (gnomAD no frequency). This sequence change replaces aspartic acid, which is acidic and polar, with tyrosine, which is neutral and polar, at codon 96 of the AIMP2 protein (p.Asp96Tyr).

NM_006303.4(AIMP2):c.286G>T (p.Asp96Tyr)

Gene: AIMP2 (aminoacyl tRNA synthetase complex interacting multifunctional protein 2; plus strand). Cytogenetic location: 7p22.1.
Variant type: single nucleotide variant.
Coding change: c.286G>T on transcript NM_006303.4 (MANE Select); coding-DNA position 286, G replaced by T.
Protein change: p.Asp96Tyr; replaces aspartic acid 96 with tyrosine.
Molecular consequence: missense variant. On other transcripts: intron variant (1).
Genome position (GRCh38, 1-based): chr7:6,015,296, G>T. VCF-style: chr7-6015296-G-T. GRCh37 (hg19) VCF-style: chr7-6054927-G-T.
Other names: c.166G>T, p.Asp56Tyr (NM_001326606.2); c.52G>T, p.Asp18Tyr (NM_001326609.2, NM_001326610.2, NM_001326611.3); c.199G>T, p.Asp67Tyr (NM_001362785.2); c.154G>T, p.Asp52Tyr (NM_001362787.2); c.136-2518G>T (NM_001326607.2); c.286G>T (NM_006303.3); short protein forms D18Y, D52Y, D96Y, D56Y, D67Y.
Identifiers: ClinVar variation 1925072 (VCV001925072.5), dbSNP rs1052534772, ClinGen allele CA153259949.